The following is an entry in ClinVar:

NM_002010.3(FGF9):c.283C>G (p.Leu95Val)

Gene: FGF9 (fibroblast growth factor 9; plus strand). Cytogenetic location: 13q12.11.
Variant type: single nucleotide variant.
Coding change: c.283C>G on transcript NM_002010.3 (MANE Select); coding-DNA position 283, C replaced by G.
Protein change: p.Leu95Val; replaces leucine 95 with valine.
Molecular consequence: missense variant.
Genome position (GRCh38, 1-based): chr13:21,681,047, C>G. VCF-style: chr13-21681047-C-G. GRCh37 (hg19) VCF-style: chr13-22255186-C-G.
Other names: short protein forms L95V.
Identifiers: ClinVar variation 311422 (VCV000311422.12), dbSNP rs776951218, ClinGen allele CA6909464.

ClinVar aggregate classification (germline): Conflicting classifications of pathogenicity. Review status: criteria provided, conflicting classifications (1 of 4 stars). 2 submissions from 2 submitters: Uncertain significance (1); Likely benign (1). Last evaluated 2022-02-24.

Conditions:
Multiple synostoses syndrome 3 (SYNS3). Identifiers: Orphanet 3237, MedGen C2751826, MONDO:0013064, OMIM 612961.

Allele frequency attached by ClinVar (database versions not stated): ExAC 0.00002; gnomAD exomes 0.00002; gnomAD 0.00003; TOPMed 0.00005.
gnomAD v4.1: 141 of 1,612,570 alleles (0.0087%); highest among the groups gnomAD compares: Non-Finnish European, 0.012%; no homozygotes.

Submissions (2):

Labcorp Genetics (formerly Invitae), Labcorp
Classification: Uncertain significance. Last evaluated: 2022-02-24. Review status: criteria provided, single submitter. Criteria: Invitae Variant Classification Sherloc (09022015). Collection method: clinical testing. Allele origin: germline.
Comment: This variant is present in population databases (rs776951218, gnomAD 0.004%). This sequence change replaces leucine, which is neutral and non-polar, with valine, which is neutral and non-polar, at codon 95 of the FGF9 protein (p.Leu95Val). In summary, the available evidence is currently insufficient to determine the role of this variant in disease. Therefore, it has been classified as a Variant of Uncertain Significance. Algorithms developed to predict the effect of missense changes on protein structure and function are either unavailable or do not agree on the potential impact of this missense change (SIFT: "Tolerated"; PolyPhen-2: "Possibly Damaging"; Align-GVGD: "Class C0"). ClinVar contains an entry for this variant (Variation ID: 311422). This variant has not been reported in the literature in individuals affected with FGF9-related conditions.

Illumina Laboratory Services, Illumina
Classification: Likely benign for Multiple synostoses syndrome 3. Last evaluated: 2018-01-13. Review status: criteria provided, single submitter. Criteria: ICSL Variant Classification Criteria 13 December 2019. Collection method: clinical testing. Allele origin: germline.
Comment: This variant was observed in the ICSL laboratory as part of a predisposition screen in an ostensibly healthy population. It had not been previously curated by ICSL or reported in the Human Gene Mutation Database (HGMD: prior to June 1st, 2018), and was therefore a candidate for classification through an automated scoring system. Utilizing variant allele frequency, disease prevalence and penetrance estimates, and inheritance mode, an automated score was calculated to assess if this variant is too frequent to cause the disease. Based on the score and internal cut-off values, a variant classified as likely benign is not then subjected to further curation. The score for this variant resulted in a classification of likely benign for this disease.